The following is an entry in ClinVar:

ClinVar aggregate classification (germline): Uncertain significance (1 of 4 stars; one submission).

Conditions:
Hereditary cancer-predisposing syndrome. Also called: Neoplastic Syndromes, Hereditary; Tumor predisposition; Hereditary neoplastic syndrome; Hereditary Cancer Syndrome. Identifiers: Orphanet 140162, MedGen C0027672, MeSH D009386, MONDO:0015356.

Submission:

Ambry Genetics
Classification: Uncertain significance for Hereditary cancer-predisposing syndrome. Last evaluated: 2023-02-12. Review status: criteria provided, single submitter. Criteria: Ambry Variant Classification Scheme 2023. Collection method: clinical testing. Allele origin: germline.
Comment: The p.V970G variant (also known as c.2909T>G), located in coding exon 14 of the BLM gene, results from a T to G substitution at nucleotide position 2909. The valine at codon 970 is replaced by glycine, an amino acid with dissimilar properties. This amino acid position is conserved. In addition, the in silico prediction for this alteration is inconclusive. Since supporting evidence is limited at this time, the clinical significance of this alteration remains unclear.

NM_000057.4(BLM):c.2909T>G (p.Val970Gly)

Gene: BLM (BLM RecQ like helicase; plus strand). Cytogenetic location: 15q26.1.
Variant type: single nucleotide variant.
Coding change: c.2909T>G on transcript NM_000057.4 (MANE Select); coding-DNA position 2909, T replaced by G.
Protein change: p.Val970Gly; replaces valine 970 with glycine.
Molecular consequence: missense variant.
Genome position (GRCh38, 1-based): chr15:90,790,734, T>G. VCF-style: chr15-90790734-T-G. GRCh37 (hg19) VCF-style: chr15-91333964-T-G.
Other names: c.2909T>G, p.Val970Gly (NM_001287246.2, NM_001287247.2); c.1784T>G, p.Val595Gly (NM_001287248.2); short protein forms V595G, V970G.
Identifiers: ClinVar variation 2452563 (VCV002452563.2), dbSNP rs2505516443, ClinGen allele CA393846395.